The following is an entry in ClinVar:

NM_001204.7(BMPR2):c.1927A>G (p.Thr643Ala)

Gene: BMPR2 (bone morphogenetic protein receptor type 2; plus strand). Cytogenetic location: 2q33.2.
Variant type: single nucleotide variant.
Coding change: c.1927A>G on transcript NM_001204.7 (MANE Select); coding-DNA position 1927, A replaced by G.
Protein change: p.Thr643Ala; replaces threonine 643 with alanine.
Molecular consequence: missense variant.
Genome position (GRCh38, 1-based): chr2:202,555,592, A>G. VCF-style: chr2-202555592-A-G. GRCh37 (hg19) VCF-style: chr2-203420315-A-G.
Other names: c.1927A>G (NM_001204.6); short protein forms T643A.
Identifiers: ClinVar variation 1036452 (VCV001036452.9), dbSNP rs780150866, ClinGen allele CA2061473.

ClinVar aggregate classification (germline): Conflicting classifications of pathogenicity. Review status: criteria provided, conflicting classifications (1 of 4 stars). 2 submissions from 2 submitters: Uncertain significance (1); Benign (1). Last evaluated 2025-02-26.

Conditions:
Inborn genetic diseases. Identifiers: MedGen C0950123, MeSH D030342.
Primary pulmonary hypertension. Also called: Idiopathic pulmonary hypertension. Identifiers: MedGen C0152171.

Allele frequency attached by ClinVar (database versions not stated): TOPMed 0.00001; gnomAD 0.00002; ExAC 0.00003; gnomAD exomes 0.00004.
gnomAD v4.1: 10 of 1,614,030 alleles (0.00062%); highest among the groups gnomAD compares: East Asian, 0.022%; no homozygotes.

Submissions (2):

Ambry Genetics
Classification: Uncertain significance for Inborn genetic diseases. Last evaluated: 2025-02-26. Review status: criteria provided, single submitter. Criteria: Ambry Variant Classification Scheme 2023. Collection method: clinical testing. Allele origin: germline.
Comment: The p.T643A variant (also known as c.1927A>G), located in coding exon 12 of the BMPR2 gene, results from an A to G substitution at nucleotide position 1927. The threonine at codon 643 is replaced by alanine, an amino acid with similar properties. This amino acid position is conserved. In addition, this alteration is predicted to be tolerated by in silico analysis. Based on the available evidence, the clinical significance of this variant remains unclear.

Labcorp Genetics (formerly Invitae), Labcorp
Classification: Benign for Primary pulmonary hypertension. Last evaluated: 2024-05-06. Review status: criteria provided, single submitter. Criteria: Invitae Variant Classification Sherloc (09022015). Collection method: clinical testing. Allele origin: germline.